The following is an entry in ClinVar:

ClinVar aggregate classification (germline): Uncertain significance (1 of 4 stars; one submission).

gnomAD v4.1: 13 of 1,614,094 alleles (0.00081%); highest among the groups gnomAD compares: Admixed American, 0.0017%; no homozygotes.

Submission:

Labcorp Genetics (formerly Invitae), Labcorp
Classification: Uncertain significance. Last evaluated: 2025-07-30. Review status: criteria provided, single submitter. Criteria: Invitae Variant Classification Sherloc (09022015). Collection method: clinical testing. Allele origin: germline.
Comment: This sequence change replaces valine, which is neutral and non-polar, with alanine, which is neutral and non-polar, at codon 2045 of the FLNB protein (p.Val2045Ala). This variant is present in population databases (rs150070349, gnomAD 0.003%). This variant has not been reported in the literature in individuals affected with FLNB-related conditions. ClinVar contains an entry for this variant (Variation ID: 3613292). Invitae Evidence Modeling of protein sequence and biophysical properties (such as structural, functional, and spatial information, amino acid conservation, physicochemical variation, residue mobility, and thermodynamic stability) indicates that this missense variant is not expected to disrupt FLNB protein function with a negative predictive value of 95%. In summary, the available evidence is currently insufficient to determine the role of this variant in disease. Therefore, it has been classified as a Variant of Uncertain Significance.

NM_001457.4(FLNB):c.6134T>C (p.Val2045Ala)

Gene: FLNB (filamin B; plus strand). Cytogenetic location: 3p14.3.
Variant type: single nucleotide variant.
Coding change: c.6134T>C on transcript NM_001457.4 (MANE Select); coding-DNA position 6134, T replaced by C.
Protein change: p.Val2045Ala; replaces valine 2045 with alanine.
Molecular consequence: missense variant.
Genome position (GRCh38, 1-based): chr3:58,149,892, T>C. VCF-style: chr3-58149892-T-C. GRCh37 (hg19) VCF-style: chr3-58135619-T-C.
Other names: c.6227T>C, p.Val2076Ala (NM_001164317.2); c.6101T>C, p.Val2034Ala (NM_001164318.2); c.6062T>C, p.Val2021Ala (NM_001164319.2); short protein forms V2021A, V2034A, V2045A, V2076A.
Identifiers: ClinVar variation 3613292 (VCV003613292.2).